The following is an entry in ClinVar:

NM_000548.5(TSC2):c.1651G>T (p.Ala551Ser)

Gene: TSC2 (TSC complex subunit 2; plus strand). Cytogenetic location: 16p13.3.
Variant type: single nucleotide variant.
Coding change: c.1651G>T on transcript NM_000548.5 (MANE Select); coding-DNA position 1651, G replaced by T.
Protein change: p.Ala551Ser; replaces alanine 551 with serine.
Molecular consequence: missense variant.
Genome position (GRCh38, 1-based): chr16:2,065,570, G>T. VCF-style: chr16-2065570-G-T. GRCh37 (hg19) VCF-style: chr16-2115571-G-T.
Other names: c.1651G>T, p.Ala551Ser (NM_001077183.3, NM_001114382.3, NM_001363528.2 and 3 more transcripts); c.1540G>T, p.Ala514Ser (NM_001318827.2); c.1504G>T, p.Ala502Ser (NM_001318829.2); c.1051G>T, p.Ala351Ser (NM_001318831.2); c.1684G>T, p.Ala562Ser (NM_001318832.2); short protein forms A551S, A351S, A562S, A514S, A502S.
Identifiers: ClinVar variation 535943 (VCV000535943.9), dbSNP rs149877669, ClinGen allele CA031983.

ClinVar aggregate classification (germline): Conflicting classifications of pathogenicity. Review status: criteria provided, conflicting classifications (1 of 4 stars). 2 submissions from 2 submitters: Uncertain significance (1); Benign (1). Last evaluated 2025-10-16.

Conditions:
Hereditary cancer-predisposing syndrome. Also called: Neoplastic Syndromes, Hereditary; Tumor predisposition; Hereditary Cancer Syndrome; Hereditary neoplastic syndrome. Identifiers: Orphanet 140162, MedGen C0027672, MeSH D009386, MONDO:0015356.
Tuberous sclerosis 2 (TSC2). Identifiers: Orphanet 805, MedGen C1860707, MONDO:0013199, OMIM 613254.

Allele frequency attached by ClinVar (database versions not stated): gnomAD exomes below 0.00001.

Submissions (2):

Ambry Genetics
Classification: Uncertain significance for Hereditary cancer-predisposing syndrome. Last evaluated: 2025-10-16. Review status: criteria provided, single submitter. Criteria: Ambry Variant Classification Scheme 2023. Collection method: clinical testing. Allele origin: germline.
Comment: The p.A551S variant (also known as c.1651G>T), located in coding exon 15 of the TSC2 gene, results from a G to T substitution at nucleotide position 1651. The alanine at codon 551 is replaced by serine, an amino acid with similar properties. This amino acid position is conserved. In addition, this alteration is predicted to be tolerated by in silico analysis. Based on the available evidence, the clinical significance of this variant remains unclear.

Labcorp Genetics (formerly Invitae), Labcorp
Classification: Benign for Tuberous sclerosis 2. Last evaluated: 2022-07-26. Review status: criteria provided, single submitter. Criteria: Invitae Variant Classification Sherloc (09022015). Collection method: clinical testing. Allele origin: germline.